The following is an entry in ClinVar:

ClinVar aggregate classification (germline): Pathogenic (1 of 4 stars; one submission).

Conditions:
Inborn genetic diseases. Identifiers: MedGen C0950123, MeSH D030342.

Submission:

Ambry Genetics
Classification: Pathogenic for Inborn genetic diseases. Last evaluated: 2024-02-20. Review status: criteria provided, single submitter. Criteria: Ambry Variant Classification Scheme 2023. Collection method: clinical testing. Allele origin: germline.
Comment: The c.1558dupT (p.Y520Lfs*9) alteration, located in exon 12 (coding exon 12) of the KDM5B gene, consists of a duplication of T at position 1558, causing a translational frameshift with a predicted alternate stop codon after 9 amino acids. This alteration is expected to result in loss of function by premature protein truncation or nonsense-mediated mRNA decay. This variant was not reported in population-based cohorts in the Genome Aggregation Database (gnomAD). Based on the available evidence, this alteration is classified as pathogenic.

NM_006618.5(KDM5B):c.1558dup (p.Tyr520fs)

Gene: KDM5B (lysine demethylase 5B; minus strand). Cytogenetic location: 1q32.1.
Variant type: Duplication.
Coding change: c.1558dup on transcript NM_006618.5 (MANE Select); coding-DNA position 1558, one base duplicated (T; older notation c.1558dupT).
Protein change: p.Tyr520fs; shifts the reading frame from tyrosine 520.
Molecular consequence: frameshift variant.
Genome position (GRCh38, 1-based): chr1:202,753,048, A duplicated on the plus strand (T on the coding strand, the reverse complement: KDM5B is on the minus strand). VCF-style (leftmost placement, unchanged base first): chr1-202753047-T-TA. GRCh37 (hg19) VCF-style: chr1-202722175-T-TA.
Other names: c.1666dup, p.Tyr556fs (NM_001314042.2); c.1423dup, p.Tyr475fs (NM_001347591.2); c.1543dup, p.Tyr515fs (NM_001399817.1); short protein forms Y556fs, Y515fs, Y475fs, Y520fs.
Identifiers: ClinVar variation 3113853 (VCV003113853.1), dbSNP rs2527520886, ClinGen allele CA2825000910.